The following is an entry in ClinVar:

ClinVar aggregate classification (germline): Uncertain significance (1 of 4 stars; one submission).

Conditions:
Inborn genetic diseases. Identifiers: MedGen C0950123, MeSH D030342.

Submission:

Ambry Genetics
Classification: Uncertain significance for Inborn genetic diseases. Last evaluated: 2025-01-29. Review status: criteria provided, single submitter. Criteria: Ambry Variant Classification Scheme 2023. Collection method: clinical testing. Allele origin: germline.
Comment: The p.D335E variant (also known as c.1005C>A), located in coding exon 6 of the ERCC6L2 gene, results from a C to A substitution at nucleotide position 1005. The aspartic acid at codon 335 is replaced by glutamic acid, an amino acid with highly similar properties. This amino acid position is conserved. In addition, the in silico prediction for this alteration is inconclusive. Based on the available evidence, the clinical significance of this variant remains unclear.

NM_020207.7(ERCC6L2):c.1005C>A (p.Asp335Glu)

Gene: ERCC6L2 (ERCC excision repair 6 like 2; plus strand). Cytogenetic location: 9q22.32.
Variant type: single nucleotide variant.
Coding change: c.1005C>A on transcript NM_020207.7 (MANE Select); coding-DNA position 1005, C replaced by A.
Protein change: p.Asp335Glu; replaces aspartic acid 335 with glutamic acid.
Molecular consequence: missense variant. On other transcripts: non-coding transcript variant (1).
Genome position (GRCh38, 1-based): chr9:95,916,281, C>A. VCF-style: chr9-95916281-C-A. GRCh37 (hg19) VCF-style: chr9-98678563-C-A.
Other names: c.1005C>A, p.Asp335Glu (NM_001010895.4, NM_001375291.1, NM_001375292.1 and 2 more transcripts); short protein forms D335E.
Identifiers: ClinVar variation 3845901 (VCV003845901.1).